The following is an entry in ClinVar:

NM_015978.3(TNNI3K):c.1417T>C (p.Ser473Pro)

Genes: FPGT-TNNI3K (FPGT-TNNI3K readthrough; plus strand), TNNI3K (TNNI3 interacting kinase; plus strand). Cytogenetic location: 1p31.1.
Variant type: single nucleotide variant.
Coding change: c.1417T>C on transcript NM_015978.3 (MANE Select); coding-DNA position 1417, T replaced by C.
Protein change: p.Ser473Pro; replaces serine 473 with proline.
Molecular consequence: missense variant.
Genome position (GRCh38, 1-based): chr1:74,369,209, T>C. VCF-style: chr1-74369209-T-C. GRCh37 (hg19) VCF-style: chr1-74834893-T-C.
Other names: c.1720T>C, p.Ser574Pro (NM_001112808.3, NM_001199327.2); short protein forms S473P, S574P.
Identifiers: ClinVar variation 1483352 (VCV001483352.6), dbSNP rs1662456296, ClinGen allele CA340785917.

ClinVar aggregate classification (germline): Uncertain significance (1 of 4 stars; one submission).

Submission:

Labcorp Genetics (formerly Invitae), Labcorp
Classification: Uncertain significance. Last evaluated: 2021-10-21. Review status: criteria provided, single submitter. Criteria: Invitae Variant Classification Sherloc (09022015). Collection method: clinical testing. Allele origin: germline.
Comment: In summary, the available evidence is currently insufficient to determine the role of this variant in disease. Therefore, it has been classified as a Variant of Uncertain Significance. Algorithms developed to predict the effect of missense changes on protein structure and function (SIFT, PolyPhen-2, Align-GVGD) all suggest that this variant is likely to be disruptive. This variant has not been reported in the literature in individuals affected with TNNI3K-related conditions. This variant is not present in population databases (ExAC no frequency). This sequence change replaces serine with proline at codon 473 of the TNNI3K protein (p.Ser473Pro). The serine residue is highly conserved and there is a moderate physicochemical difference between serine and proline.